The following is an entry in ClinVar:

ClinVar aggregate classification (germline): Uncertain significance (1 of 4 stars; one submission).

Submission:

Labcorp Genetics (formerly Invitae), Labcorp
Classification: Uncertain significance. Last evaluated: 2023-05-13. Review status: criteria provided, single submitter. Criteria: Invitae Variant Classification Sherloc (09022015). Collection method: clinical testing. Allele origin: germline.
Comment: This variant has not been reported in the literature in individuals affected with FGF23-related conditions. This variant is not present in population databases (gnomAD no frequency). This sequence change replaces phenylalanine, which is neutral and non-polar, with leucine, which is neutral and non-polar, at codon 247 of the FGF23 protein (p.Phe247Leu). Advanced modeling of protein sequence and biophysical properties (such as structural, functional, and spatial information, amino acid conservation, physicochemical variation, residue mobility, and thermodynamic stability) has been performed at Invitae for this missense variant, however the output from this modeling did not meet the statistical confidence thresholds required to predict the impact of this variant on FGF23 protein function. In summary, the available evidence is currently insufficient to determine the role of this variant in disease. Therefore, it has been classified as a Variant of Uncertain Significance.

NM_020638.3(FGF23):c.739T>C (p.Phe247Leu)

Gene: FGF23 (fibroblast growth factor 23; minus strand). Cytogenetic location: 12p13.32.
Variant type: single nucleotide variant.
Coding change: c.739T>C on transcript NM_020638.3 (MANE Select); coding-DNA position 739, T replaced by C.
Protein change: p.Phe247Leu; replaces phenylalanine 247 with leucine.
Molecular consequence: missense variant.
Genome position (GRCh38, 1-based): chr12:4,370,360, A>G on the plus strand (T>C on the coding strand, the complement: FGF23 is on the minus strand). VCF-style: chr12-4370360-A-G. GRCh37 (hg19) VCF-style: chr12-4479526-A-G.
Other names: short protein forms F247L.
Identifiers: ClinVar variation 2864127 (VCV002864127.3), dbSNP rs2497235521, ClinGen allele CA383415596.